The following is an entry in ClinVar:

NM_001267550.2(TTN):c.14485C>A (p.Gln4829Lys)

Gene: TTN (titin; minus strand). Cytogenetic location: 2q31.2.
Variant type: single nucleotide variant.
Coding change: c.14485C>A on transcript NM_001267550.2 (MANE Select); coding-DNA position 14485, C replaced by A.
Protein change: p.Gln4829Lys; replaces glutamine 4829 with lysine.
Molecular consequence: missense variant. On other transcripts: intron variant (3).
Genome position (GRCh38, 1-based): chr2:178,735,961, G>T on the plus strand (C>A on the coding strand, the complement: TTN is on the minus strand). VCF-style: chr2-178735961-G-T. GRCh37 (hg19) VCF-style: chr2-179600688-G-T.
Other names: c.13534C>A, p.Gln4512Lys (NM_001256850.1); c.10753C>A, p.Gln3585Lys (NM_133378.4); c.13282+2121C>A (NM_003319.4); c.13858+2121C>A (NM_133437.4); c.13657+2121C>A (NM_133432.3); short protein forms Q3585K, Q4512K, Q4829K.
Identifiers: ClinVar variation 2438084 (VCV002438084.6), dbSNP rs748930233, ClinGen allele CA60981844.

ClinVar aggregate classification (germline): Uncertain significance. Review status: criteria provided, multiple submitters, no conflicts (2 of 4 stars). 4 submissions from 4 submitters: Uncertain significance (4). Last evaluated 2026-02-03.

Conditions:
TTN-related disorder. Also called: TTN-related condition; TTN-related disease; TTN-related disorders.

Allele frequency attached by ClinVar (database versions not stated): gnomAD 0.00001; gnomAD exomes 0.00002.
gnomAD v4.1: 34 of 1,613,684 alleles (0.0021%); highest among the groups gnomAD compares: Non-Finnish European, 0.0028%; no homozygotes.

Submissions (4):

PreventionGenetics, part of Exact Sciences
Classification: Uncertain significance for TTN-related condition. Last evaluated: 2026-02-03. Review status: criteria provided, single submitter. Criteria: ACMG Guidelines, 2015. Collection method: clinical testing. Allele origin: germline.
Comment: The TTN c.14485C>A variant is predicted to result in the amino acid substitution p.Gln4829Lys. To our knowledge, this variant has not been reported in the literature. This variant is reported in 0.00089% of alleles in individuals of European (Non-Finnish) descent in gnomAD. At this time, the clinical significance of this variant is uncertain due to the absence of conclusive functional and genetic evidence.

Athena Diagnostics
Classification: Uncertain significance. Last evaluated: 2025-10-08. Review status: criteria provided, single submitter. Criteria: Athena Diagnostics Criteria. Collection method: clinical testing. Allele origin: unknown.
Comment: Available data are insufficient to determine the clinical significance of the variant at this time. The frequency of this variant in the general population is uninformative in assessment of its pathogenicity. Polyphen and MutationTaster predict this amino acid change may be benign.

GeneDx
Classification: Uncertain significance. Last evaluated: 2025-04-16. Review status: criteria provided, single submitter. Criteria: GeneDx Variant Classification Process June 2021. Collection method: clinical testing. Allele origin: germline. Affected: yes.
Comment: Not observed at significant frequency in large population cohorts (gnomAD); Missense variant in a gene in which most reported pathogenic variants are truncating/loss of function; Has not been previously published as pathogenic or benign to our knowledge

Revvity Omics, Revvity
Classification: Uncertain significance. Last evaluated: 2019-04-03. Review status: criteria provided, single submitter. Criteria: ACMG Guidelines, 2015. Collection method: clinical testing. Allele origin: germline.